The following is an entry in ClinVar:

NM_005321.3(H1-4):c.297_298insA (p.Gly100fs)

Gene: H1-4 (H1.4 linker histone, cluster member; plus strand). Cytogenetic location: 6p22.2.
Variant type: Insertion.
Coding change: c.297_298insA on transcript NM_005321.3 (MANE Select); coding-DNA positions 297 to 298, A inserted.
Protein change: p.Gly100fs; shifts the reading frame from glycine 100.
Molecular consequence: frameshift variant.
Genome position: GRCh38 VCF-style: chr6-26156687-C-CA. GRCh37 (hg19) VCF-style: chr6-26156915-C-CA.
Other names: short protein forms G100fs.
Identifiers: ClinVar variation 3103551 (VCV003103551.1), dbSNP rs2480692277, ClinGen allele CA2825001459.
Genomic context (GRCh38, chr6:26,156,687, plus strand): 5'-CATCAAGCTGGGTCTCAAGAGCCTGGTGAGCAAGGGCACCCTGGTGCAGACCAAGGGCAC[C>CA]GGCGCGTCGGGTTCCTTCAAACTCAACAAGAAGGCGGCCTCTGGGGAAGCCAAGCCTAAG-3'

ClinVar aggregate classification (germline): Uncertain significance (1 of 4 stars; one submission).

Submission:

Ambry Genetics
Classification: Uncertain significance. Last evaluated: 2022-06-13. Review status: criteria provided, single submitter. Criteria: Ambry Variant Classification Scheme 2023. Collection method: clinical testing. Allele origin: germline.
Comment: Not expected to trigger nonsense-mediated mRNA decay; Loss of function has not been established as a mechanism of disease Based on insufficient or conflicting evidence, the clinical significance of this alteration remains unclear.